The following is an entry in ClinVar:

NM_001197104.2(KMT2A):c.3545G>A (p.Arg1182His)

Gene: KMT2A (lysine methyltransferase 2A; plus strand). Cytogenetic location: 11q23.3.
Variant type: single nucleotide variant.
Coding change: c.3545G>A on transcript NM_001197104.2 (MANE Select); coding-DNA position 3545, G replaced by A.
Protein change: p.Arg1182His; replaces arginine 1182 with histidine.
Molecular consequence: missense variant.
Genome position (GRCh38, 1-based): chr11:118,478,177, G>A. VCF-style: chr11-118478177-G-A. GRCh37 (hg19) VCF-style: chr11-118348892-G-A.
Other names: c.3545G>A, p.Arg1182His (NM_005933.4); short protein forms R1182H.
Identifiers: ClinVar variation 1176921 (VCV001176921.44), dbSNP rs782323910, ClinGen allele CA382825163.

ClinVar aggregate classification (germline): Uncertain significance. Review status: criteria provided, multiple submitters, no conflicts (2 of 4 stars). 3 submissions from 3 submitters: Uncertain significance (3). Last evaluated 2023-09-27.

Allele frequency attached by ClinVar (database versions not stated): TOPMed below 0.00001.
gnomAD v4.1: 3 of 1,613,762 alleles (0.00019%); highest among the groups gnomAD compares: Middle Eastern, 0.017%; no homozygotes.

Submissions (3):

Labcorp Genetics (formerly Invitae), Labcorp
Classification: Uncertain significance. Last evaluated: 2023-09-27. Review status: criteria provided, single submitter. Criteria: Invitae Variant Classification Sherloc (09022015). Collection method: clinical testing. Allele origin: germline.
Comment: This missense change has been observed in individual(s) with neurodevelopmental disorder (PMID: 33004838). This sequence change replaces arginine, which is basic and polar, with histidine, which is basic and polar, at codon 1182 of the KMT2A protein (p.Arg1182His). This variant is present in population databases (no rsID available, gnomAD 0.003%). ClinVar contains an entry for this variant (Variation ID: 1176921). Advanced modeling of protein sequence and biophysical properties (such as structural, functional, and spatial information, amino acid conservation, physicochemical variation, residue mobility, and thermodynamic stability) has been performed at Invitae for this missense variant, however the output from this modeling did not meet the statistical confidence thresholds required to predict the impact of this variant on KMT2A protein function. In summary, the available evidence is currently insufficient to determine the role of this variant in disease. Therefore, it has been classified as a Variant of Uncertain Significance.

CeGaT Center for Human Genetics Tuebingen
Classification: Uncertain significance. Last evaluated: 2021-04-01. Review status: criteria provided, single submitter. Criteria: CeGaT Center For Human Genetics Tuebingen Variant Classification Criteria Version 2. Collection method: clinical testing. Allele origin: germline. Affected: yes. Observed: 1 variant allele.

GeneDx
Classification: Uncertain significance. Last evaluated: 2020-03-10. Review status: criteria provided, single submitter. Criteria: GeneDx Variant Classification Process June 2021. Collection method: clinical testing. Allele origin: germline. Affected: yes.
Comment: In silico analysis supports that this missense variant has a deleterious effect on protein structure/function; Has not been previously published as pathogenic or benign to our knowledge

Literature cited by the submitters: PubMed 33004838 (cited by Labcorp Genetics (formerly Invitae), Labcorp).